The following is an entry in ClinVar:

NM_006737.4(KIR3DL2):c.1044C>T (p.Val348=)

Gene: KIR3DL2 (killer cell immunoglobulin like receptor, three Ig domains and long cytoplasmic tail 2). Cytogenetic location: 19q13.42.
Variant type: single nucleotide variant.
Coding change: c.1044C>T on transcript NM_006737.4 (MANE Select); coding-DNA position 1044, C replaced by T.
Protein change: p.Val348=; no amino-acid change (valine 348 retained).
Molecular consequence: synonymous variant.
Genome position (GRCh38, 1-based): chr19:54,865,848, C>T. VCF-style: chr19-54865848-C-T. GRCh37 (hg19) VCF-style: chr19-55377303-C-T.
Other names: c.993C>T, p.Val331= (NM_001242867.2).
Identifiers: ClinVar variation 2650495 (VCV002650495.24), dbSNP rs1359951579, ClinGen allele CA883681918.
Genomic context (GRCh38, chr19:54,865,848, plus strand): 5'-TTCCCATCTTCCTCCAGGTATCTGCAGACACCTGCATGTTCTGATTGGGACCTCAGTGGT[C>T]ATCTTCCTCTTCATCCTCCTCCTCTTCTTTCTCCTTTATCGCTGGTGCTCCAACAAAAAG-3'
Protein context (NP_006728.2, residues 338-358): HLHVLIGTSV[Val348=]IFLFILLLFF

ClinVar aggregate classification (germline): Likely benign (1 of 4 stars; one submission).

Allele frequency attached by ClinVar (database versions not stated): gnomAD exomes below 0.00001.
gnomAD v4.1: 2 of 1,613,848 alleles (0.00012%); highest among the groups gnomAD compares: Non-Finnish European, 0.00017%; no homozygotes.

Submission:

CeGaT Center for Human Genetics Tuebingen
Classification: Likely benign. Last evaluated: 2023-08-01. Review status: criteria provided, single submitter. Criteria: CeGaT Center For Human Genetics Tuebingen Variant Classification Criteria Version 2. Collection method: clinical testing. Allele origin: germline. Affected: yes. Observed: 1 variant allele.
Comment: KIR3DL2: PM2:Supporting, BP4, BP7